The following is an entry in ClinVar:

ClinVar aggregate classification (germline): Uncertain significance (1 of 4 stars; one submission).

Conditions:
Long QT syndrome (LQTS). Identifiers: MedGen C0023976, MeSH D008133, MONDO:0002442. Disease mechanism: loss of function. Inheritance: Various modes of inheritance.

Submission:

Labcorp Genetics (formerly Invitae), Labcorp
Classification: Uncertain significance for Long QT syndrome. Last evaluated: 2024-11-29. Review status: criteria provided, single submitter. Criteria: Invitae Variant Classification Sherloc (09022015). Collection method: clinical testing. Allele origin: germline.
Comment: This sequence change replaces valine, which is neutral and non-polar, with isoleucine, which is neutral and non-polar, at codon 222 of the SNTA1 protein (p.Val222Ile). This variant is not present in population databases (gnomAD no frequency). This variant has not been reported in the literature in individuals affected with SNTA1-related conditions. Invitae Evidence Modeling of protein sequence and biophysical properties (such as structural, functional, and spatial information, amino acid conservation, physicochemical variation, residue mobility, and thermodynamic stability) indicates that this missense variant is not expected to disrupt SNTA1 protein function with a negative predictive value of 80%. In summary, the available evidence is currently insufficient to determine the role of this variant in disease. Therefore, it has been classified as a Variant of Uncertain Significance.

NM_003098.3(SNTA1):c.664G>A (p.Val222Ile)

Gene: SNTA1 (syntrophin alpha 1; minus strand). Cytogenetic location: 20q11.21.
Variant type: single nucleotide variant.
Coding change: c.664G>A on transcript NM_003098.3 (MANE Select); coding-DNA position 664, G replaced by A.
Protein change: p.Val222Ile; replaces valine 222 with isoleucine.
Molecular consequence: missense variant.
Genome position (GRCh38, 1-based): chr20:33,417,756, C>T on the plus strand (G>A on the coding strand, the complement: SNTA1 is on the minus strand). VCF-style: chr20-33417756-C-T. GRCh37 (hg19) VCF-style: chr20-32005562-C-T.
Other names: c.664G>A, p.Val222Ile (NM_001424413.1, NM_001424414.1); short protein forms V222I.
Identifiers: ClinVar variation 3603328 (VCV003603328.2).